The following is an entry in ClinVar:

ClinVar aggregate classification (germline): Uncertain significance. Review status: criteria provided, multiple submitters, no conflicts (2 of 4 stars). 2 submissions from 2 submitters: Uncertain significance (2). Last evaluated 2025-12-03.

Conditions:
CD164-related disorder. Also called: CD164-related condition.

Allele frequency attached by ClinVar (database versions not stated): gnomAD exomes below 0.00001; TOPMed 0.00001.
gnomAD v4.1: 3 of 1,558,170 alleles (0.00019%); highest among the groups gnomAD compares: Admixed American, 0.0038%; no homozygotes.

Submissions (2):

Labcorp Genetics (formerly Invitae), Labcorp
Classification: Uncertain significance. Last evaluated: 2025-12-03. Review status: criteria provided, single submitter. Criteria: Invitae Variant Classification Sherloc (09022015). Collection method: clinical testing. Allele origin: germline.
Comment: This sequence change replaces leucine, which is neutral and non-polar, with phenylalanine, which is neutral and non-polar, at codon 9 of the CD164 protein (p.Leu9Phe). The frequency data for this variant in the population databases is considered unreliable, as metrics indicate poor data quality at this position in the gnomAD database. This variant has not been reported in the literature in individuals affected with CD164-related conditions. ClinVar contains an entry for this variant (Variation ID: 2629150). An algorithm developed to predict the effect of missense changes on protein structure and function outputs the following: PolyPhen-2: "Possibly Damaging". The phenylalanine amino acid residue is found in multiple mammalian species, which suggests that this missense change does not adversely affect protein function. In summary, the available evidence is currently insufficient to determine the role of this variant in disease. Therefore, it has been classified as a Variant of Uncertain Significance.

PreventionGenetics, part of Exact Sciences
Classification: Uncertain significance for CD164-related condition. Last evaluated: 2022-11-22. Review status: criteria provided, single submitter. Criteria: ACMG Guidelines, 2015. Collection method: clinical testing. Allele origin: germline.
Comment: The CD164 c.25C>T variant is predicted to result in the amino acid substitution p.Leu9Phe. To our knowledge, this variant has not been reported in the literature. This variant is reported in 0.0077% of alleles in individuals of Latino descent in gnomAD. At this time, the clinical significance of this variant is uncertain due to the absence of conclusive functional and genetic evidence.

NM_006016.6(CD164):c.25C>T (p.Leu9Phe)

Gene: CD164 (CD164 molecule; minus strand). Cytogenetic location: 6q21.
Variant type: single nucleotide variant.
Coding change: c.25C>T on transcript NM_006016.6 (MANE Select); coding-DNA position 25, C replaced by T.
Protein change: p.Leu9Phe; replaces leucine 9 with phenylalanine.
Molecular consequence: missense variant.
Genome position (GRCh38, 1-based): chr6:109,382,354, G>A on the plus strand (C>T on the coding strand, the complement: CD164 is on the minus strand). VCF-style: chr6-109382354-G-A. GRCh37 (hg19) VCF-style: chr6-109703557-G-A.
Other names: c.25C>T, p.Leu9Phe (NM_001142401.3, NM_001142402.3, NM_001142403.3 and 1 more transcripts); short protein forms L9F.
Identifiers: ClinVar variation 2629150 (VCV002629150.2), dbSNP rs761993548, ClinGen allele CA3951729.